The following is an entry in ClinVar:

NM_006659.4(TUBGCP2):c.2515C>T (p.Arg839Trp)

Gene: TUBGCP2 (tubulin gamma complex component 2; minus strand). Cytogenetic location: 10q26.3.
Variant type: single nucleotide variant.
Coding change: c.2515C>T on transcript NM_006659.4 (MANE Select); coding-DNA position 2515, C replaced by T.
Protein change: p.Arg839Trp; replaces arginine 839 with tryptophan.
Molecular consequence: missense variant. On other transcripts: non-coding transcript variant (1).
Genome position (GRCh38, 1-based): chr10:133,281,331, G>A on the plus strand (C>T on the coding strand, the complement: TUBGCP2 is on the minus strand). VCF-style: chr10-133281331-G-A. GRCh37 (hg19) VCF-style: chr10-135094835-G-A.
Other names: c.2515C>T (NM_006659.2); c.2599C>T, p.Arg867Trp (NM_001256617.2); c.2125C>T, p.Arg709Trp (NM_001256618.2); short protein forms R709W, R839W, R867W.
Identifiers: ClinVar variation 2641007 (VCV002641007.25), dbSNP rs200867693, ClinGen allele CA5763452.

ClinVar aggregate classification (germline): Uncertain significance. Review status: criteria provided, multiple submitters, no conflicts (2 of 4 stars). 3 submissions from 3 submitters: Uncertain significance (3). Last evaluated 2025-04-04.

Allele frequency attached by ClinVar (database versions not stated): TOPMed 0.00002; ExAC 0.00006; gnomAD 0.00007.
gnomAD v4.1: 68 of 1,613,384 alleles (0.0042%); highest among the groups gnomAD compares: Non-Finnish European, 0.0039%; no homozygotes.

Submissions (3):

Ambry Genetics
Classification: Uncertain significance. Last evaluated: 2025-04-04. Review status: criteria provided, single submitter. Criteria: Ambry Variant Classification Scheme 2023. Collection method: clinical testing. Allele origin: germline.

Blueprint Genetics
Classification: Uncertain significance. Last evaluated: 2024-11-04. Review status: criteria provided, single submitter. Criteria: ACMG Guidelines, 2015. Collection method: clinical testing. Allele origin: germline.

CeGaT Center for Human Genetics Tuebingen
Classification: Uncertain significance. Last evaluated: 2022-06-01. Review status: criteria provided, single submitter. Criteria: CeGaT Center For Human Genetics Tuebingen Variant Classification Criteria Version 2. Collection method: clinical testing. Allele origin: germline. Affected: yes. Observed: 1 variant allele.
Comment: TUBGCP2: PM2:Supporting, BP4